The following is an entry in ClinVar:

ClinVar aggregate classification (germline): Conflicting classifications of pathogenicity. Review status: criteria provided, conflicting classifications (1 of 4 stars). 3 submissions from 3 submitters: Uncertain significance (2); Likely benign (1). Last evaluated 2025-08-06.

Conditions:
Cardiovascular phenotype. Identifiers: MedGen CN230736.

Allele frequency attached by ClinVar (database versions not stated): gnomAD exomes 0.00004; ExAC 0.00007; gnomAD 0.00007; TOPMed 0.00010; ESP Exome Variant Server 0.00041.
gnomAD v4.1: 71 of 1,613,602 alleles (0.0044%); highest among the groups gnomAD compares: East Asian, 0.016%; no homozygotes.

Submissions (3):

Women's Health and Genetics/Laboratory Corporation of America, LabCorp
Classification: Uncertain significance. Last evaluated: 2025-08-06. Review status: criteria provided, single submitter. Criteria: LabCorp Variant Classification Summary - May 2015. Collection method: clinical testing. Allele origin: germline.
Comment: Variant summary: TNXB c.9302C>T (p.Ala3101Val) results in a non-conservative amino acid change located in the fibronectin type III domain (IPR003961) of the encoded protein sequence. Algorithms developed to predict the effect of missense changes on protein structure and function are either unavailable or do not agree on the potential impact of this missense change. The variant allele was found at a frequency of 6.5e-05 in 246522 control chromosomes. This frequency is not significantly higher than estimated for a pathogenic variant in TNXB causing Ehlers-Danlos syndrome due to tenascin-X deficiency (6.5e-05 vs 0.0011), allowing no conclusion about variant significance. To our knowledge, no occurrence of c.9302C>T in individuals affected with Ehlers-Danlos syndrome due to tenascin-X deficiency and no experimental evidence demonstrating its impact on protein function have been reported. ClinVar contains an entry for this variant (Variation ID: 2446943). Based on the evidence outlined above, the variant was classified as uncertain significance.

GeneDx
Classification: Uncertain significance. Last evaluated: 2025-06-25. Review status: criteria provided, single submitter. Criteria: GeneDx Variant Classification Process June 2021. Collection method: clinical testing. Allele origin: germline. Affected: yes.
Comment: In silico analysis suggests that this missense variant does not alter protein structure/function; Has not been previously published as pathogenic or benign to our knowledge

Ambry Genetics
Classification: Likely benign for Cardiovascular phenotype. Last evaluated: 2025-05-04. Review status: criteria provided, single submitter. Criteria: Ambry Variant Classification Scheme 2023. Collection method: clinical testing. Allele origin: germline.

NM_001365276.2(TNXB):c.9308C>T (p.Ala3103Val)

Gene: TNXB (tenascin XB; minus strand). Cytogenetic location: 6p21.33.
Variant type: single nucleotide variant.
Coding change: c.9308C>T on transcript NM_001365276.2 (MANE Select); coding-DNA position 9308, C replaced by T.
Protein change: p.Ala3103Val; replaces alanine 3103 with valine.
Molecular consequence: missense variant.
Genome position (GRCh38, 1-based): chr6:32,050,129, G>A on the plus strand (C>T on the coding strand, the complement: TNXB is on the minus strand). VCF-style: chr6-32050129-G-A. GRCh37 (hg19) VCF-style: chr6-32017906-G-A.
Other names: c.9302C>T, p.Ala3101Val (NM_019105.8); short protein forms A3103V, A3101V.
Identifiers: ClinVar variation 2446943 (VCV002446943.6), dbSNP rs200191925, ClinGen allele CA3733570.